The following is an entry in ClinVar:

ClinVar aggregate classification (germline): Pathogenic (1 of 4 stars; one submission).

Conditions:
Dystonia 12 (DYT12). Also called: DYT-ATP1A3; Rapid-Onset Dystonia-Parkinsonism (RDP). Identifiers: Orphanet 71517, MedGen C1868681, MONDO:0007496, OMIM 128235.

Submission:

Labcorp Genetics (formerly Invitae), Labcorp
Classification: Pathogenic for Dystonia 12. Last evaluated: 2024-06-03. Review status: criteria provided, single submitter. Criteria: Invitae Variant Classification Sherloc (09022015). Collection method: clinical testing. Allele origin: germline.
Comment: This sequence change replaces threonine, which is neutral and polar, with isoleucine, which is neutral and non-polar, at codon 370 of the ATP1A3 protein (p.Thr370Ile). This variant is not present in population databases (gnomAD no frequency). This missense change has been observed in individuals with dystonia (Invitae). ClinVar contains an entry for this variant (Variation ID: 2102500). Advanced modeling of protein sequence and biophysical properties (such as structural, functional, and spatial information, amino acid conservation, physicochemical variation, residue mobility, and thermodynamic stability) performed at Invitae indicates that this missense variant is expected to disrupt ATP1A3 protein function with a positive predictive value of 95%. This variant disrupts the p.Thr370 amino acid residue in ATP1A3. Other variant(s) that disrupt this residue have been determined to be pathogenic (Invitae). This suggests that this residue is clinically significant, and that variants that disrupt this residue are likely to be disease-causing. For these reasons, this variant has been classified as Pathogenic.

NM_152296.5(ATP1A3):c.1109C>T (p.Thr370Ile)

Gene: ATP1A3 (ATPase Na+/K+ transporting subunit alpha 3; minus strand). Cytogenetic location: 19q13.2.
Variant type: single nucleotide variant.
Coding change: c.1109C>T on transcript NM_152296.5 (MANE Select); coding-DNA position 1109, C replaced by T.
Protein change: p.Thr370Ile; replaces threonine 370 with isoleucine.
Molecular consequence: missense variant.
Genome position (GRCh38, 1-based): chr19:41,981,991, G>A on the plus strand (C>T on the coding strand, the complement: ATP1A3 is on the minus strand). VCF-style: chr19-41981991-G-A. GRCh37 (hg19) VCF-style: chr19-42486143-G-A.
Other names: c.1142C>T, p.Thr381Ile (NM_001256213.2); c.1148C>T, p.Thr383Ile (NM_001256214.2); short protein forms T370I, T383I, T381I.
Identifiers: ClinVar variation 2102500 (VCV002102500.4), dbSNP rs573535377, ClinGen allele CA406051103.